The following is an entry in ClinVar:

ClinVar aggregate classification (germline): Uncertain significance (1 of 4 stars; one submission).

gnomAD v4.1: 1 of 1,612,784 alleles (0.000062%); no homozygotes.

Submission:

Labcorp Genetics (formerly Invitae), Labcorp
Classification: Uncertain significance. Last evaluated: 2025-09-11. Review status: criteria provided, single submitter. Criteria: Invitae Variant Classification Sherloc (09022015). Collection method: clinical testing. Allele origin: germline.
Comment: This sequence change replaces threonine, which is neutral and polar, with alanine, which is neutral and non-polar, at codon 1767 of the SI protein (p.Thr1767Ala). This variant is not present in population databases (gnomAD no frequency). This variant has not been reported in the literature in individuals affected with SI-related conditions. Invitae Evidence Modeling of protein sequence and biophysical properties (such as structural, functional, and spatial information, amino acid conservation, physicochemical variation, residue mobility, and thermodynamic stability) indicates that this missense variant is not expected to disrupt SI protein function with a negative predictive value of 95%. In summary, the available evidence is currently insufficient to determine the role of this variant in disease. Therefore, it has been classified as a Variant of Uncertain Significance.

NM_001041.4(SI):c.5299A>G (p.Thr1767Ala)

Gene: SI (sucrase-isomaltase; minus strand). Cytogenetic location: 3q26.1.
Variant type: single nucleotide variant.
Coding change: c.5299A>G on transcript NM_001041.4 (MANE Select); coding-DNA position 5299, A replaced by G.
Protein change: p.Thr1767Ala; replaces threonine 1767 with alanine.
Molecular consequence: missense variant.
Genome position (GRCh38, 1-based): chr3:164,982,359, T>C on the plus strand (A>G on the coding strand, the complement: SI is on the minus strand). VCF-style: chr3-164982359-T-C. GRCh37 (hg19) VCF-style: chr3-164700147-T-C.
Other names: short protein forms T1767A.
Identifiers: ClinVar variation 4807947 (VCV004807947.1).